The following is an entry in ClinVar:

NM_000548.5(TSC2):c.1535_1557del (p.Leu512fs)

Gene: TSC2 (TSC complex subunit 2; plus strand). Cytogenetic location: 16p13.3.
Variant type: Deletion.
Coding change: c.1535_1557del on transcript NM_000548.5 (MANE Select); coding-DNA positions 1535 to 1557, 23 bases deleted (TGGTGGACCTGGCAGAGGGCTGC).
Protein change: p.Leu512fs; shifts the reading frame from leucine 512.
Molecular consequence: frameshift variant.
Genome position (GRCh38, 1-based): chr16:2,064,363-2,064,385, TGGTGGACCTGGCAGAGGGCTGC deleted; deleting any 23 consecutive bases within chr16:2,064,360-2,064,385 gives the same sequence; the c. name uses the placement nearest the transcript's 3' end. VCF-style (leftmost placement, unchanged base first): chr16-2064359-TTGCTGGTGGACCTGGCAGAGGGC-T. GRCh37 (hg19) VCF-style: chr16-2114360-TTGCTGGTGGACCTGGCAGAGGGC-T.
Other names: c.1535_1557del, p.Leu512fs (NM_001077183.3, NM_001114382.3, NM_001363528.2 and 3 more transcripts); c.1424_1446del, p.Leu475fs (NM_001318827.2); c.1388_1410del, p.Leu463fs (NM_001318829.2); c.935_957del, p.Leu312fs (NM_001318831.2); c.1568_1590del, p.Leu523fs (NM_001318832.2); c.1535_1557delTGGTGGACCTGGCAGAGGGCTGC (NM_000548.3); short protein forms L312fs, L463fs, L512fs, L475fs, L523fs.
Identifiers: ClinVar variation 207772 (VCV000207772.1), dbSNP rs796053503, ClinGen allele CA319573.

ClinVar aggregate classification (germline): Pathogenic (1 of 4 stars; one submission).

Submission:

GeneDx
Classification: Pathogenic. Last evaluated: 2014-10-22. Review status: criteria provided, single submitter. Criteria: GeneDx Variant Classification (06012015). Collection method: clinical testing. Allele origin: germline. Affected: yes.
Comment: c.1535_1557delTGGTGGACCTGGCAGAGGGCTGC: p.Leu512ProfsX69 (L512Pfsx69) in exon 15 of the TSC2 gene (NM_000548.3). The normal sequence with the bases that are deleted in braces is: TTGC{TGGTGGACCTGGCAGAGGGCTGC}CACA. The c.1535_1557delTGGTGGACCTGGCAGAGGGCTGC mutation in the TSC2 gene causes a frameshift starting with codon Leucine 512, changes this amino acid to a Proline residue and creates a premature Stop codon at position 69 of the new reading frame, denoted p.Leu512ProfsX69. This mutation is predicted to cause loss of normal protein function either through protein truncation or nonsense-mediated mRNA decay. Although this mutation has not been previously reported to our knowledge, other frameshift mutations have been reported in the TSC2 gene in association with tuberous sclerosis (TSC2 LOVD). The variant is found in TUBSC-EPIV2 panel(s).